The following is an entry in ClinVar:

ClinVar aggregate classification (germline): Uncertain significance (1 of 4 stars; one submission).

Conditions:
Perlman syndrome (PRLMNS). Identifiers: Orphanet 2849, MedGen C0796113, MONDO:0009965, OMIM 267000.

Allele frequency attached by ClinVar (database versions not stated): TOPMed below 0.00001; gnomAD 0.00001; gnomAD exomes 0.00002 and 0.00004; ExAC 0.00007.
gnomAD v4.1: 11 of 1,613,910 alleles (0.00068%); highest among the groups gnomAD compares: Non-Finnish European, 0.00093%; no homozygotes.

Submission:

Labcorp Genetics (formerly Invitae), Labcorp
Classification: Uncertain significance for Perlman syndrome. Last evaluated: 2023-11-20. Review status: criteria provided, single submitter. Criteria: Invitae Variant Classification Sherloc (09022015). Collection method: clinical testing. Allele origin: germline.
Comment: This sequence change replaces arginine, which is basic and polar, with glycine, which is neutral and non-polar, at codon 222 of the DIS3L2 protein (p.Arg222Gly). This variant is present in population databases (rs764220626, gnomAD 0.008%). This variant has not been reported in the literature in individuals affected with DIS3L2-related conditions. ClinVar contains an entry for this variant (Variation ID: 1017984). An algorithm developed to predict the effect of missense changes on protein structure and function (PolyPhen-2) suggests that this variant is likely to be tolerated. In summary, the available evidence is currently insufficient to determine the role of this variant in disease. Therefore, it has been classified as a Variant of Uncertain Significance.

NM_152383.5(DIS3L2):c.664A>G (p.Arg222Gly)

Gene: DIS3L2 (DIS3 like 3'-5' exoribonuclease 2; plus strand). Cytogenetic location: 2q37.1.
Variant type: single nucleotide variant.
Coding change: c.664A>G on transcript NM_152383.5 (MANE Select); coding-DNA position 664, A replaced by G.
Protein change: p.Arg222Gly; replaces arginine 222 with glycine.
Molecular consequence: missense variant. On other transcripts: non-coding transcript variant (2).
Genome position (GRCh38, 1-based): chr2:232,130,681, A>G. VCF-style: chr2-232130681-A-G. GRCh37 (hg19) VCF-style: chr2-232995391-A-G.
Other names: c.664A>G, p.Arg222Gly (NM_001257281.2, NM_001257282.2); short protein forms R222G.
Identifiers: ClinVar variation 1017984 (VCV001017984.6), dbSNP rs764220626, ClinGen allele CA2163891.
Genomic context (GRCh38, chr2:232,130,681, plus strand): 5'-AGAGAGGATGGTGATGCACCGGTTACAAAAGATGAGACCACCTGCATTTCACAAGACACA[A>G]GAGCTTTATCGGAGAAATCCCTGCAAAGATCAGCAAAGGTCATTGCCTACAGATTTTCTC-3'
Protein context (NP_689596.4, residues 212-232): DETTCISQDT[Arg222Gly]ALSEKSLQRS